The following is an entry in ClinVar:

ClinVar aggregate classification (germline): Pathogenic (1 of 4 stars; one submission).

Conditions:
Mowat-Wilson syndrome (MOWS). Also called: Classic Mowat-Wilson Syndrome. Identifiers: Orphanet 2152, MedGen C1856113, MONDO:0009341, OMIM 235730.

Submission:

Groupe Hospitalier Pitie Salpetriere, Uf Genomique Du Developpement, Assistance Publique Hopitaux de Paris Sorbonne Université
Classification: Pathogenic for Mowat-Wilson syndrome. Last evaluated: 2017-01-06. Review status: criteria provided, single submitter. Criteria: ACMG Guidelines, 2015. Collection method: clinical testing. Allele origin: de novo. Affected: yes. Observed: 1 variant allele.
Comment: Intellectual disability; dysmorphism

Literature cited by the submitters: PubMed 28708303.

NM_014795.4(ZEB2):c.3170G>A (p.Cys1057Tyr)

Gene: ZEB2 (zinc finger E-box binding homeobox 2; minus strand). Cytogenetic location: 2q22.3.
Variant type: single nucleotide variant.
Coding change: c.3170G>A on transcript NM_014795.4 (MANE Select); coding-DNA position 3170, G replaced by A.
Protein change: p.Cys1057Tyr; replaces cysteine 1057 with tyrosine.
Molecular consequence: missense variant.
Genome position (GRCh38, 1-based): chr2:144,389,926, C>T on the plus strand (G>A on the coding strand, the complement: ZEB2 is on the minus strand). VCF-style: chr2-144389926-C-T. GRCh37 (hg19) VCF-style: chr2-145147493-C-T.
Other names: c.3098G>A, p.Cys1033Tyr (NM_001171653.2); short protein forms C1057Y, C1033Y.
Identifiers: ClinVar variation 431116 (VCV000431116.3), dbSNP rs1135401790, ClinGen allele CA348700696.